The following is an entry in ClinVar:

NM_006979.3(SLC39A7):c.789T>C (p.His263=)

Gene: SLC39A7 (solute carrier family 39 member 7; plus strand). Cytogenetic location: 6p21.32.
Variant type: single nucleotide variant.
Coding change: c.789T>C on transcript NM_006979.3 (MANE Select); coding-DNA position 789, T replaced by C.
Protein change: p.His263=; no amino-acid change (histidine 263 retained).
Molecular consequence: synonymous variant.
Genome position (GRCh38, 1-based): chr6:33,202,417, T>C. VCF-style: chr6-33202417-T-C. GRCh37 (hg19) VCF-style: chr6-33170194-T-C.
Other names: c.789T>C, p.His263= (NM_001077516.2); c.414T>C, p.His138= (NM_001288777.2).
Identifiers: ClinVar variation 1168260 (VCV001168260.10), dbSNP rs34836401, ClinGen allele CA3752355.

ClinVar aggregate classification (germline): Benign/Likely benign. Review status: criteria provided, multiple submitters, no conflicts (2 of 4 stars). 2 submissions from 2 submitters: Benign (1); Likely benign (1). Last evaluated 2026-06-01.

Allele frequency attached by ClinVar (database versions not stated): gnomAD 0.00028 and 0.00053; TOPMed 0.00029; gnomAD exomes 0.00041 and 0.00095; ESP Exome Variant Server 0.00050; ExAC 0.00106; 1000 Genomes Project 0.00220; 1000 Genomes Project 30x 0.00250.
gnomAD v4.1: 727 of 1,612,696 alleles (0.045%); highest among the groups gnomAD compares: South Asian, 0.59%; 15 homozygotes.

Submissions (2):

CeGaT Center for Human Genetics Tuebingen
Classification: Likely benign. Last evaluated: 2026-06-01. Review status: criteria provided, single submitter. Criteria: CeGaT Center For Human Genetics Tuebingen Variant Classification Criteria Version 2. Collection method: clinical testing. Allele origin: germline. Affected: yes. Observed: 1 variant allele.
Comment: SLC39A7: BP4, BP7, BS2

Labcorp Genetics (formerly Invitae), Labcorp
Classification: Benign. Last evaluated: 2026-02-02. Review status: criteria provided, single submitter. Criteria: Invitae Variant Classification Sherloc (09022015). Collection method: clinical testing. Allele origin: germline.